The following is an entry in ClinVar:

NM_000263.4(NAGLU):c.182dup (p.Asp63fs)

Genes: NAGLU (N-acetyl-alpha-glucosaminidase; plus strand), LOC130060903 (ATAC-STARR-seq lymphoblastoid silent region 8533; plus strand). Cytogenetic location: 17q21.2.
Variant type: Duplication.
Coding change: c.182dup on transcript NM_000263.4 (MANE Select); coding-DNA position 182, one base duplicated (G; older notation c.182dupG).
Protein change: p.Asp63fs; shifts the reading frame from aspartic acid 63.
Molecular consequence: frameshift variant.
Genome position (GRCh38, 1-based): chr17:42,536,454, G duplicated; the last of 3 consecutive G bases (chr17:42,536,452-42,536,454); duplicating any one gives the same sequence. VCF-style (leftmost placement, unchanged base first): chr17-42536451-C-CG. GRCh37 (hg19) VCF-style: chr17-40688469-C-CG.
Other names: short protein forms D63fs.
Identifiers: ClinVar variation 5011911 (VCV005011911.1).
Genomic context (GRCh38, chr17:42,536,451, plus strand): 5'-TGGGGCCAGGCCCCGCGGCCGACTTCTCCGTGTCGGTGGAGCGCGCTCTGGCTGCCAAGC[C>CG]GGGCTTGGACACCTACAGCCTGGGCGGCGGCGGCGCGGCGCGCGTGCGGGTGCGCGGCTC-3'

ClinVar aggregate classification (germline): Pathogenic (1 of 4 stars; one submission).

Conditions:
Mucopolysaccharidosis, MPS-III-B (MPS3B). Also called: N-ACETYL-ALPHA-D-GLUCOSAMINIDASE DEFICIENCY; NAGLU DEFICIENCY; SANFILIPPO SYNDROME B; MPS III B; MUCOPOLYSACCHARIDOSIS, TYPE IIIB; Mucopolysaccharidosis type IIIB (Sanfilippo B). Identifiers: Orphanet 79270, MedGen C0086648, MONDO:0009656, OMIM 252920.

Submission:

Myriad Genetics, Inc.
Classification: Pathogenic for Mucopolysaccharidosis, MPS-III-B. Last evaluated: 2023-09-27. Review status: criteria provided, single submitter. Criteria: Myriad Autosomal Dominant, Autosomal Recessive and X-Linked Classification Criteria (2023). Collection method: clinical testing. Allele origin: unknown.
Comment: NM_000263.3(NAGLU):c.182dupG(D63Gfs*129) is expected to be pathogenic in the context of mucopolysaccharidosis type IIIB. This variant is predicted to lead to an abnormal or absent protein product due to the creation of a premature termination codon in NAGLU, a gene where loss-of-function variants are known to be pathogenic. Please note: this variant was assessed in the context of healthy population screening.